The following is an entry in ClinVar:

ClinVar aggregate classification (germline): Uncertain significance. Review status: criteria provided, multiple submitters, no conflicts (2 of 4 stars). 2 submissions from 2 submitters: Uncertain significance (2). Last evaluated 2025-09-15.

Conditions:
Cardiovascular phenotype. Identifiers: MedGen CN230736.
Progressive familial heart block type IB (PFHB1B). Identifiers: Orphanet 871, MedGen C1970298, MONDO:0011474, OMIM 604559.

Submissions (2):

Labcorp Genetics (formerly Invitae), Labcorp
Classification: Uncertain significance for Progressive familial heart block type IB. Last evaluated: 2025-09-15. Review status: criteria provided, single submitter. Criteria: Invitae Variant Classification Sherloc (09022015). Collection method: clinical testing. Allele origin: germline.
Comment: This sequence change creates a premature translational stop signal (p.Ala83Profs*195) in the TRPM4 gene. It is expected to result in an absent or disrupted protein product. However, the current clinical and genetic evidence is not sufficient to establish whether loss-of-function variants in TRPM4 cause disease. This variant is not present in population databases (gnomAD no frequency). This variant has not been reported in the literature in individuals affected with TRPM4-related conditions. ClinVar contains an entry for this variant (Variation ID: 1791892). In summary, the available evidence is currently insufficient to determine the role of this variant in disease. Therefore, it has been classified as a Variant of Uncertain Significance.

Ambry Genetics
Classification: Uncertain significance for Cardiovascular phenotype. Last evaluated: 2017-05-03. Review status: criteria provided, single submitter. Criteria: Ambry Variant Classification Scheme 2023. Collection method: clinical testing. Allele origin: germline.
Comment: The c.247delG variant, located in coding exon 3 of the TRPM4 gene, results from a deletion of one nucleotide at nucleotide position 247, causing a translational frameshift with a predicted alternate stop codon (p.A83Pfs*195). This alteration is expected to result in loss of function by premature protein truncation or nonsense-mediated mRNA decay. However, loss of function of TRPM4 has not been clearly established as a mechanism of disease. Since supporting evidence is limited at this time, the clinical significance of this alteration remains unclear.

NM_017636.4(TRPM4):c.247del (p.Ala83fs)

Gene: TRPM4 (transient receptor potential cation channel subfamily M member 4; plus strand). Cytogenetic location: 19q13.33.
Variant type: Deletion.
Coding change: c.247del on transcript NM_017636.4 (MANE Select); coding-DNA position 247, one base deleted (G; older notation c.247delG).
Protein change: p.Ala83fs; shifts the reading frame from alanine 83.
Molecular consequence: frameshift variant. On other transcripts: 5 prime UTR variant (1), intron variant (2).
Genome position (GRCh38, 1-based): chr19:49,166,195, G deleted; the last of 5 consecutive G bases (chr19:49,166,191-49,166,195); deleting any one gives the same sequence. VCF-style (leftmost placement, unchanged base first): chr19-49166190-CG-C. GRCh37 (hg19) VCF-style: chr19-49669447-CG-C.
Other names: c.247del, p.Ala83fs (NM_001195227.2, NM_001321281.2); c.-1126del (NM_001321282.2); c.-74-2065del (NM_001321283.2); c.-237-2358del (NM_001321285.2); short protein forms A83fs.
Identifiers: ClinVar variation 1791892 (VCV001791892.7), dbSNP rs754625848, ClinGen allele CA2576848297.